The following is an entry in ClinVar:

NM_207037.2(TCF12):c.636A>G (p.Pro212=)

Gene: TCF12 (transcription factor 12; plus strand). Cytogenetic location: 15q21.3.
Variant type: single nucleotide variant.
Coding change: c.636A>G on transcript NM_207037.2 (MANE Select); coding-DNA position 636, A replaced by G.
Protein change: p.Pro212=; no amino-acid change (proline 212 retained).
Molecular consequence: synonymous variant. On other transcripts: missense variant (1), 5 prime UTR variant (1).
Genome position (GRCh38, 1-based): chr15:57,231,208, A>G. VCF-style: chr15-57231208-A-G. GRCh37 (hg19) VCF-style: chr15-57523406-A-G.
Other names: c.126A>G, p.Pro42= (NM_001306219.3, NM_207040.2); c.68A>G, p.His23Arg (NM_001306220.3); c.636A>G, p.Pro212= (NM_001322151.2, NM_001322152.2, NM_001322157.3 and 7 more transcripts); c.-22A>G (NM_001322154.2); c.462A>G, p.Pro154= (NM_001322156.2, NM_001322158.2); c.672A>G, p.Pro224= (NM_001322164.2); short protein forms H23R.
Identifiers: ClinVar variation 3898160 (VCV003898160.7).
Genomic context (GRCh38, chr15:57,231,208, plus strand): 5'-TAAGGTATATGCACCATCCCCAAATTCAGATGATTTCAACCGTGAATCTCCTAGTTATCC[A>G]TCTCCTAAGCCACCAACCAGTATGTTCGCTAGCACTTTCTTTATGCAAGGTAAGTACTAC-3'
Protein context (NP_996920.1, residues 202-222): DDFNRESPSY[Pro212=]SPKPPTSMFA

ClinVar aggregate classification (germline): Likely benign (1 of 4 stars; one submission).

gnomAD v4.1: 131 of 1,613,138 alleles (0.0081%); highest among the groups gnomAD compares: Non-Finnish European, 0.011%; 1 homozygote.

Submission:

CeGaT Center for Human Genetics Tuebingen
Classification: Likely benign. Last evaluated: 2026-03-01. Review status: criteria provided, single submitter. Criteria: CeGaT Center For Human Genetics Tuebingen Variant Classification Criteria Version 2. Collection method: clinical testing. Allele origin: germline. Affected: yes. Observed: 2 variant alleles.
Comment: TCF12: BP4